The following is an entry in ClinVar:

ClinVar aggregate classification (germline): Conflicting classifications of pathogenicity. Review status: criteria provided, conflicting classifications (1 of 4 stars). 7 submissions from 5 submitters: Uncertain significance (1); Benign (3); Likely benign (3). Last evaluated 2026-01-13.

Conditions:
Bronchiectasis with or without elevated sweat chloride 1 (BESC1). Also called: Cystic Fibrosis-Like Syndrome. Identifiers: Orphanet 60033, MedGen C2749757, MONDO:0008887, OMIM 211400.
Pseudohypoaldosteronism, type IB1, autosomal recessive. Also called: Autosomal recessive pseudohypoaldosteronism type 1; PHA I, AUTOSOMAL RECESSIVE; Pseudohypoaldosteronism, Type I, Autosomal Recessive; Pseudohypoaldosteronism, Type I, Recessive. Identifiers: Orphanet 171876, Orphanet 756, MedGen C5774176, MONDO:0009917, OMIM 264350.
Liddle syndrome 1 (LIDLS1). Also called: PSEUDOALDOSTERONISM. Identifiers: Orphanet 526, MedGen CN031472, MONDO:0020607, OMIM 177200.

Allele frequency attached by ClinVar (database versions not stated): ExAC 0.00087; gnomAD exomes 0.00087 and 0.00128; ESP Exome Variant Server 0.00094; TOPMed 0.00104; 1000 Genomes Project 0.00120; gnomAD 0.00123; 1000 Genomes Project 30x 0.00172.
gnomAD v4.1: 2,066 of 1,612,584 alleles (0.13%); highest among the groups gnomAD compares: Admixed American, 0.21%; 2 homozygotes.

Submissions (7):

Labcorp Genetics (formerly Invitae), Labcorp
Classification: Likely benign. Last evaluated: 2026-01-13. Review status: criteria provided, single submitter. Criteria: Invitae Variant Classification Sherloc (09022015). Collection method: clinical testing. Allele origin: germline.

Athena Diagnostics
Classification: Benign. Last evaluated: 2025-03-06. Review status: criteria provided, single submitter. Criteria: Athena Diagnostics Criteria. Collection method: clinical testing. Allele origin: unknown.
Comment: The frequency of this variant in the general population is higher than would generally be expected for pathogenic variants in this gene. Computational tools yielded predictions that this variant is unlikely to have an effect on normal RNA splicing. This nucleotide position exhibits low evolutionary conservation.

Blueprint Genetics
Classification: Likely benign. Last evaluated: 2024-11-27. Review status: criteria provided, single submitter. Criteria: ACMG Guidelines, 2015. Collection method: clinical testing. Allele origin: germline.

GeneDx
Classification: Likely benign. Last evaluated: 2020-05-21. Review status: criteria provided, single submitter. Criteria: GeneDx Variant Classification Process June 2021. Collection method: clinical testing. Allele origin: germline. Affected: yes.
Comment: See Variant Classification Assertion Criteria.

Illumina Laboratory Services, Illumina
Classification: Benign for Bronchiectasis with or without elevated sweat chloride 1. Last evaluated: 2018-01-12. Review status: criteria provided, single submitter. Criteria: ICSL Variant Classification Criteria 13 December 2019. Collection method: clinical testing. Allele origin: germline.
Comment: This variant was observed in the ICSL laboratory as part of a predisposition screen in an ostensibly healthy population. It had not been previously curated by ICSL or reported in the Human Gene Mutation Database (HGMD: prior to June 1st, 2018), and was therefore a candidate for classification through an automated scoring system. Utilizing variant allele frequency, disease prevalence and penetrance estimates, and inheritance mode, an automated score was calculated to assess if this variant is too frequent to cause the disease. Based on the score and internal cut-off values, a variant classified as benign is not then subjected to further curation. The score for this variant resulted in a classification of benign for this disease.

Illumina Laboratory Services, Illumina
Classification: Benign for Liddle syndrome 1. Last evaluated: 2018-01-12. Review status: criteria provided, single submitter. Criteria: ICSL Variant Classification Criteria 13 December 2019. Collection method: clinical testing. Allele origin: germline.
Comment: the same text as in the submission from Illumina Laboratory Services, Illumina above.

Illumina Laboratory Services, Illumina
Classification: Uncertain significance for Pseudohypoaldosteronism, type IB1, autosomal recessive. Last evaluated: 2018-01-12. Review status: criteria provided, single submitter. Criteria: ICSL Variant Classification Criteria 13 December 2019. Collection method: clinical testing. Allele origin: germline.

Literature cited by the submitters: PubMed 25900089 (cited by Athena Diagnostics); PubMed 19462466 (cited by Athena Diagnostics).

NM_000336.3(SCNN1B):c.1887C>T (p.Asp629=)

Gene: SCNN1B (sodium channel epithelial 1 subunit beta; plus strand). Cytogenetic location: 16p12.2.
Variant type: single nucleotide variant.
Coding change: c.1887C>T on transcript NM_000336.3 (MANE Select); coding-DNA position 1887, C replaced by T.
Protein change: p.Asp629=; no amino-acid change (aspartic acid 629 retained).
Molecular consequence: synonymous variant.
Genome position (GRCh38, 1-based): chr16:23,380,765, C>T. VCF-style: chr16-23380765-C-T. GRCh37 (hg19) VCF-style: chr16-23392086-C-T.
Identifiers: ClinVar variation 318446 (VCV000318446.17), dbSNP rs61759917, ClinGen allele CA7960670.